The following is an entry in ClinVar:

NM_000553.6(WRN):c.2083C>T (p.Pro695Ser)

Gene: WRN (WRN RecQ like helicase; plus strand). Cytogenetic location: 8p12.
Variant type: single nucleotide variant.
Coding change: c.2083C>T on transcript NM_000553.6 (MANE Select); coding-DNA position 2083, C replaced by T.
Protein change: p.Pro695Ser; replaces proline 695 with serine.
Molecular consequence: missense variant.
Genome position (GRCh38, 1-based): chr8:31,100,950, C>T. VCF-style: chr8-31100950-C-T. GRCh37 (hg19) VCF-style: chr8-30958466-C-T.
Other names: c.2083C>T (NM_000553.4); short protein forms P695S.
Identifiers: ClinVar variation 1521136 (VCV001521136.7), dbSNP rs752841355, ClinGen allele CA4704612.
Genomic context (GRCh38, chr8:31,100,950, plus strand): 5'-GAGTGGGGGCATGATTTTAGGGATTCATTCAGGAAGTTGGGCTCCCTAAAGACAGCACTG[C>T]CAATGGTAAGCTTTGCCAAGTCTGATGTCCCGAAATTACATTCTTAATAAGGAGAGCATT-3'
Protein context (NP_000544.2, residues 685-705): RKLGSLKTAL[Pro695Ser]MVPIVALTAT

ClinVar aggregate classification (germline): Uncertain significance. Review status: criteria provided, multiple submitters, no conflicts (2 of 4 stars). 2 submissions from 2 submitters: Uncertain significance (2). Last evaluated 2024-03-18.

Conditions:
Werner syndrome (WRN). Identifiers: Orphanet 902, MedGen C0043119, MONDO:0010196, OMIM 277700.
Inborn genetic diseases. Identifiers: MedGen C0950123, MeSH D030342.

Allele frequency attached by ClinVar (database versions not stated): gnomAD exomes below 0.00001 and 0.00001; ExAC 0.00001.
gnomAD v4.1: 2 of 1,613,454 alleles (0.00012%); highest among the groups gnomAD compares: Admixed American, 0.0033%; no homozygotes.

Submissions (2):

Ambry Genetics
Classification: Uncertain significance for Inborn genetic diseases. Last evaluated: 2024-03-18. Review status: criteria provided, single submitter. Criteria: Ambry Variant Classification Scheme 2023. Collection method: clinical testing. Allele origin: germline.

Labcorp Genetics (formerly Invitae), Labcorp
Classification: Uncertain significance for Werner syndrome. Last evaluated: 2021-10-26. Review status: criteria provided, single submitter. Criteria: Invitae Variant Classification Sherloc (09022015). Collection method: clinical testing. Allele origin: germline.
Comment: This sequence change replaces proline with serine at codon 695 of the WRN protein (p.Pro695Ser). The proline residue is highly conserved and there is a moderate physicochemical difference between proline and serine. This variant is present in population databases (rs752841355, ExAC 0.009%). This variant has not been reported in the literature in individuals with WRN-related conditions. Algorithms developed to predict the effect of missense changes on protein structure and function are either unavailable or do not agree on the potential impact of this missense change (SIFT: "Not Available"; PolyPhen-2: "Probably Damaging"; Align-GVGD: "Not Available"). In summary, the available evidence is currently insufficient to determine the role of this variant in disease. Therefore, it has been classified as a Variant of Uncertain Significance.